The following is an entry in ClinVar:

NM_001042492.3(NF1):c.967G>A (p.Ala323Thr)

Gene: NF1 (neurofibromin 1; plus strand). Cytogenetic location: 17q11.2.
Variant type: single nucleotide variant.
Coding change: c.967G>A on transcript NM_001042492.3 (MANE Select); coding-DNA position 967, G replaced by A.
Protein change: p.Ala323Thr; replaces alanine 323 with threonine.
Molecular consequence: missense variant.
Genome position (GRCh38, 1-based): chr17:31,200,500, G>A. VCF-style: chr17-31200500-G-A. GRCh37 (hg19) VCF-style: chr17-29527518-G-A.
Other names: c.967G>A, p.Ala323Thr (NM_000267.4, NM_001128147.3); short protein forms A323T.
Identifiers: ClinVar variation 1384105 (VCV001384105.8), dbSNP rs2143873082, ClinGen allele CA398995955.
Genomic context (GRCh38, chr17:31,200,500, plus strand): 5'-CTACGAAAAGCTCTTGCTGGCCATGGAGGAAGTAGGCAGCTGACAGAAAGTGCTGCAATT[G>A]CCTGTGTCAAACTGTGTAAAGCAAGTACTTACATCAATTGGGAAGATAACTCTGTCATTT-3'
Protein context (NP_001035957.1, residues 313-333): SRQLTESAAI[Ala323Thr]CVKLCKASTY

ClinVar aggregate classification (germline): Uncertain significance. Review status: criteria provided, multiple submitters, no conflicts (2 of 4 stars). 3 submissions from 3 submitters: Uncertain significance (3). Last evaluated 2025-07-18.

Conditions:
Cardiovascular phenotype. Identifiers: MedGen CN230736.
Hereditary cancer-predisposing syndrome. Also called: Tumor predisposition; Hereditary neoplastic syndrome; Neoplastic Syndromes, Hereditary; Hereditary Cancer Syndrome. Identifiers: Orphanet 140162, MedGen C0027672, MeSH D009386, MONDO:0015356.
Juvenile myelomonocytic leukemia (JMML). Also called: LEUKEMIA, JUVENILE MYELOMONOCYTIC, SOMATIC. Identifiers: Orphanet 86834, MedGen C0349639, MONDO:0011908, OMIM 607785, HP:0012209.
Neurofibromatosis, type 1 (NF1). Also called: VON RECKLINGHAUSEN DISEASE; Peripheral type neurofibromatosis; Neurofibromatosis, type I; NEUROFIBROMATOSIS, TYPE I, SOMATIC. Identifiers: Orphanet 636, MedGen C0027831, MONDO:0018975, OMIM 162200. Disease mechanism: loss of function.

Submissions (3):

Ambry Genetics
Classification: Uncertain significance for Cardiovascular phenotype; Hereditary cancer-predisposing syndrome. Last evaluated: 2025-07-18. Review status: criteria provided, single submitter. Criteria: Ambry Variant Classification Scheme 2023. Collection method: clinical testing. Allele origin: germline.
Comment: The p.A323T variant (also known as c.967G>A), located in coding exon 9 of the NF1 gene, results from a G to A substitution at nucleotide position 967. The alanine at codon 323 is replaced by threonine, an amino acid with similar properties. This amino acid position is conserved. In addition, the in silico prediction for this alteration is inconclusive. Based on the available evidence, the clinical significance of this variant remains unclear.

Baylor Genetics
Classification: Uncertain significance for Juvenile myelomonocytic leukemia. Last evaluated: 2023-11-27. Review status: criteria provided, single submitter. Criteria: ACMG Guidelines, 2015. Collection method: clinical testing. Allele origin: unknown.

Labcorp Genetics (formerly Invitae), Labcorp
Classification: Uncertain significance for Neurofibromatosis, type 1. Last evaluated: 2022-02-18. Review status: criteria provided, single submitter. Criteria: Invitae Variant Classification Sherloc (09022015). Collection method: clinical testing. Allele origin: germline.
Comment: In summary, the available evidence is currently insufficient to determine the role of this variant in disease. Therefore, it has been classified as a Variant of Uncertain Significance. This variant disrupts the p.Ala323 amino acid residue in NF1. Other variant(s) that disrupt this residue have been determined to be pathogenic (PMID: 30308447). This suggests that this residue is clinically significant, and that variants that disrupt this residue are likely to be disease-causing. Algorithms developed to predict the effect of missense changes on protein structure and function are either unavailable or do not agree on the potential impact of this missense change (SIFT: "Deleterious"; PolyPhen-2: "Probably Damaging"; Align-GVGD: "Class C0"). This variant has not been reported in the literature in individuals affected with NF1-related conditions. This variant is not present in population databases (gnomAD no frequency). This sequence change replaces alanine, which is neutral and non-polar, with threonine, which is neutral and polar, at codon 323 of the NF1 protein (p.Ala323Thr).

Literature cited by the submitters: PubMed 30308447 (cited by Labcorp Genetics (formerly Invitae), Labcorp).